The following is an entry in ClinVar:

NM_005477.3(HCN4):c.3158T>C (p.Leu1053Pro)

Gene: HCN4 (hyperpolarization activated cyclic nucleotide gated potassium channel 4; minus strand). Cytogenetic location: 15q24.1.
Variant type: single nucleotide variant.
Coding change: c.3158T>C on transcript NM_005477.3 (MANE Select); coding-DNA position 3158, T replaced by C.
Protein change: p.Leu1053Pro; replaces leucine 1053 with proline.
Molecular consequence: missense variant.
Genome position (GRCh38, 1-based): chr15:73,322,935, A>G on the plus strand (T>C on the coding strand, the complement: HCN4 is on the minus strand). VCF-style: chr15-73322935-A-G. GRCh37 (hg19) VCF-style: chr15-73615276-A-G.
Other names: short protein forms L1053P.
Identifiers: ClinVar variation 1487432 (VCV001487432.8), dbSNP rs2042871166, ClinGen allele CA393086100.

ClinVar aggregate classification (germline): Uncertain significance. Review status: criteria provided, multiple submitters, no conflicts (2 of 4 stars). 2 submissions from 2 submitters: Uncertain significance (2). Last evaluated 2022-04-19.

Conditions:
Cardiovascular phenotype. Identifiers: MedGen CN230736.
Brugada syndrome 8 (BRGDA8). Identifiers: Orphanet 130, MedGen C2751083, MONDO:0013148, OMIM 613123.

Allele frequency attached by ClinVar (database versions not stated): gnomAD exomes below 0.00001; TOPMed below 0.00001.
gnomAD v4.1: 1 of 1,410,104 alleles (0.000071%); highest among the groups gnomAD compares: Non-Finnish European, 0.000093%; no homozygotes.

Submissions (2):

Ambry Genetics
Classification: Uncertain significance for Cardiovascular phenotype. Last evaluated: 2022-04-19. Review status: criteria provided, single submitter. Criteria: Ambry Variant Classification Scheme 2023. Collection method: clinical testing. Allele origin: germline.
Comment: The p.L1053P variant (also known as c.3158T>C), located in coding exon 8 of the HCN4 gene, results from a T to C substitution at nucleotide position 3158. The leucine at codon 1053 is replaced by proline, an amino acid with similar properties. This amino acid position is conserved. In addition, the in silico prediction for this alteration is inconclusive. Since supporting evidence is limited at this time, the clinical significance of this alteration remains unclear.

Labcorp Genetics (formerly Invitae), Labcorp
Classification: Uncertain significance for Brugada syndrome 8. Last evaluated: 2021-08-19. Review status: criteria provided, single submitter. Criteria: Invitae Variant Classification Sherloc (09022015). Collection method: clinical testing. Allele origin: germline.
Comment: In summary, the available evidence is currently insufficient to determine the role of this variant in disease. Therefore, it has been classified as a Variant of Uncertain Significance. Advanced modeling of protein sequence and biophysical properties (such as structural, functional, and spatial information, amino acid conservation, physicochemical variation, residue mobility, and thermodynamic stability) performed at Invitae indicates that this missense variant is not expected to disrupt HCN4 protein function. This variant has not been reported in the literature in individuals affected with HCN4-related conditions. The frequency data for this variant in the population databases is considered unreliable, as metrics indicate insufficient coverage at this position in the ExAC database. This sequence change replaces leucine with proline at codon 1053 of the HCN4 protein (p.Leu1053Pro). The leucine residue is highly conserved and there is a moderate physicochemical difference between leucine and proline.